The following is an entry in ClinVar:

ClinVar aggregate classification (germline): Likely pathogenic (1 of 4 stars; one submission).

Conditions:
Progressive pseudorheumatoid dysplasia (PPRD). Also called: Progressive Pseudorheumatoid Arthropathy of Childhood; SPONDYLOEPIPHYSEAL DYSPLASIA TARDA WITH PROGRESSIVE ARTHROPATHY. Identifiers: Orphanet 1159, MedGen C0432215, MONDO:0008827, OMIM 208230. Disease mechanism: loss of function.

Submission:

MVZ Medizinische Genetik Mainz
Classification: Likely pathogenic for Progressive pseudorheumatoid dysplasia. Last evaluated: 2024-11-27. Review status: criteria provided, single submitter. Criteria: UK Practice Guidelines For Variant Classification V4 01 2020. Collection method: clinical testing. Allele origin: germline. Inheritance: Autosomal recessive inheritance. Affected: yes. Observed: 2 variant alleles.
Comment: ACMG Criteria: PVS1,PM2_SUP

NM_198239.2(CCN6):c.76_83del (p.Pro26fs)

Gene: CCN6 (cellular communication network factor 6; plus strand). Cytogenetic location: 6q21.
Variant type: Deletion.
Coding change: c.76_83del on transcript NM_198239.2 (MANE Select); coding-DNA positions 76 to 83, 8 bases deleted (CCATTAGA; older notation c.76_83delCCATTAGA).
Protein change: p.Pro26fs; shifts the reading frame from proline 26.
Molecular consequence: frameshift variant. On other transcripts: non-coding transcript variant (2).
Genome position (GRCh38, 1-based): chr6:112,061,018-112,061,025, CCATTAGA deleted; deleting any 8 consecutive bases within chr6:112,061,016-112,061,025 gives the same sequence; the c. name uses the placement nearest the transcript's 3' end. VCF-style (leftmost placement, unchanged base first): chr6-112061015-GGACCATTA-G. GRCh37 (hg19) VCF-style: chr6-112382218-GGACCATTA-G.
Other names: c.76_83del, p.Pro26fs (NM_003880.4); short protein forms P26fs.
Identifiers: ClinVar variation 3392543 (VCV003392543.1).
Genomic context (GRCh38, chr6:112,061,015, plus strand): 5'-AGCTATTTCTAACATCACCTTTATTATCAAATGAAGTTCTGCTGCAGGGTACAGGGCACT[GGACCATTA>G]GATACAACACCTGAAGGAAGGCCTGGAGAAGTGTCAGATGCACCTCAGCGTAAACAGTTT-3'